The following is an entry in ClinVar:

NM_032229.3(SLITRK6):c.1638C>T (p.Cys546=)

Gene: SLITRK6 (SLIT and NTRK like family member 6; minus strand). Cytogenetic location: 13q31.1.
Variant type: single nucleotide variant.
Coding change: c.1638C>T on transcript NM_032229.3 (MANE Select); coding-DNA position 1638, C replaced by T.
Protein change: p.Cys546=; no amino-acid change (cysteine 546 retained).
Molecular consequence: synonymous variant.
Genome position (GRCh38, 1-based): chr13:85,794,871, G>A on the plus strand (C>T on the coding strand, the complement: SLITRK6 is on the minus strand). VCF-style: chr13-85794871-G-A. GRCh37 (hg19) VCF-style: chr13-86369006-G-A.
Identifiers: ClinVar variation 666756 (VCV000666756.16), dbSNP rs200014932, ClinGen allele CA7015066.

ClinVar aggregate classification (germline): Likely benign. Review status: criteria provided, multiple submitters, no conflicts (2 of 4 stars). 3 submissions from 3 submitters: Likely benign (3). Last evaluated 2026-06-01.

Allele frequency attached by ClinVar (database versions not stated): gnomAD 0.00022 and 0.00023; ESP Exome Variant Server 0.00025; ExAC 0.00030; 1000 Genomes Project 30x 0.00031; gnomAD exomes 0.00033 and 0.00036; TOPMed 0.00034; 1000 Genomes Project 0.00040.
gnomAD v4.1: 513 of 1,613,082 alleles (0.032%); highest among the groups gnomAD compares: Admixed American, 0.099%; 1 homozygote.

Submissions (3):

CeGaT Center for Human Genetics Tuebingen
Classification: Likely benign. Last evaluated: 2026-06-01. Review status: criteria provided, single submitter. Criteria: CeGaT Center For Human Genetics Tuebingen Variant Classification Criteria Version 2. Collection method: clinical testing. Allele origin: germline. Affected: yes. Observed: 1 variant allele.
Comment: SLITRK6: BP4, BP7

Labcorp Genetics (formerly Invitae), Labcorp
Classification: Likely benign. Last evaluated: 2025-07-10. Review status: criteria provided, single submitter. Criteria: Invitae Variant Classification Sherloc (09022015). Collection method: clinical testing. Allele origin: germline.

Laboratory for Molecular Medicine, Mass General Brigham Personalized Medicine
Classification: Likely benign. Last evaluated: 2017-08-23. Review status: criteria provided, single submitter. Criteria: LMM Criteria. Collection method: clinical testing. Allele origin: germline. Observed: 1 variant allele.
Comment: p.Cys546Cys in exon 2 of SLITRK6: This variant is not expected to have clinical significance because it does not alter an amino acid residue and is not located within the splice consensus sequence. It has been identified in 0.11% (13/11388) of Latino chromosomes by the Exome Aggregation Consortium (ExAC; dbSNP rs200014932).